The following is an entry in ClinVar:

NM_198525.3(KIF7):c.3076G>A (p.Gly1026Ser)

Gene: KIF7 (kinesin family member 7; minus strand). Cytogenetic location: 15q26.1.
Variant type: single nucleotide variant.
Coding change: c.3076G>A on transcript NM_198525.3 (MANE Select); coding-DNA position 3076, G replaced by A.
Protein change: p.Gly1026Ser; replaces glycine 1026 with serine.
Molecular consequence: missense variant.
Genome position (GRCh38, 1-based): chr15:89,631,530, C>T on the plus strand (G>A on the coding strand, the complement: KIF7 is on the minus strand). VCF-style: chr15-89631530-C-T. GRCh37 (hg19) VCF-style: chr15-90174761-C-T.
Other names: short protein forms G1026S.
Identifiers: ClinVar variation 2048037 (VCV002048037.1), dbSNP rs1466628518, ClinGen allele CA393756863.
Genomic context (GRCh38, chr15:89,631,530, plus strand): 5'-GCTGAGCCATGGGGCCGCAGGGTACCTCGGGGGACAGCAGACTCCCCTGCCTCAGCTTGC[C>T]GTCGATCTCCAGGCGCTGCTTGAGCAGCGAGTCCTTCTCCTGGCGCAGGCTGTCGATCTC-3'
Protein context (NP_940927.2, residues 1016-1036): SLLKQRLEID[Gly1026Ser]KLRQGSLLSP

ClinVar aggregate classification (germline): Uncertain significance (1 of 4 stars; one submission).

Conditions:
Acrocallosal syndrome (ACLS). Also called: HALLUX DUPLICATION, POSTAXIAL POLYDACTYLY, AND ABSENCE OF CORPUS CALLOSUM; Schinzel syndrome 1; Absence of corpus callosum with unusual facial appearance, mental deficiency, duplication of the halluces and polydactyly. Identifiers: Orphanet 36, MedGen C0796147, MONDO:0008708, OMIM 200990.

Allele frequency attached by ClinVar (database versions not stated): TOPMed below 0.00001; gnomAD 0.00001; gnomAD exomes 0.00001.
gnomAD v4.1: 17 of 1,582,788 alleles (0.0011%); highest among the groups gnomAD compares: Admixed American, 0.0018%; no homozygotes.

Submission:

Labcorp Genetics (formerly Invitae), Labcorp
Classification: Uncertain significance for Acrocallosal syndrome. Last evaluated: 2022-03-26. Review status: criteria provided, single submitter. Criteria: Invitae Variant Classification Sherloc (09022015). Collection method: clinical testing. Allele origin: germline.
Comment: This sequence change replaces glycine, which is neutral and non-polar, with serine, which is neutral and polar, at codon 1026 of the KIF7 protein (p.Gly1026Ser). This variant is not present in population databases (gnomAD no frequency). This variant has not been reported in the literature in individuals affected with KIF7-related conditions. Algorithms developed to predict the effect of missense changes on protein structure and function output the following: SIFT: "Tolerated"; PolyPhen-2: "Benign"; Align-GVGD: "Class C0". The serine amino acid residue is found in multiple mammalian species, which suggests that this missense change does not adversely affect protein function. In summary, the available evidence is currently insufficient to determine the role of this variant in disease. Therefore, it has been classified as a Variant of Uncertain Significance.